The following is an entry in ClinVar:

NM_018117.12(WDR11):c.1060A>G (p.Lys354Glu)

Gene: WDR11 (WD repeat domain 11; plus strand). Cytogenetic location: 10q26.12.
Variant type: single nucleotide variant.
Coding change: c.1060A>G on transcript NM_018117.12 (MANE Select); coding-DNA position 1060, A replaced by G.
Protein change: p.Lys354Glu; replaces lysine 354 with glutamic acid.
Molecular consequence: missense variant.
Genome position (GRCh38, 1-based): chr10:120,866,634, A>G. VCF-style: chr10-120866634-A-G. GRCh37 (hg19) VCF-style: chr10-122626146-A-G.
Other names: short protein forms K354E.
Identifiers: ClinVar variation 450239 (VCV000450239.2), dbSNP rs765892068, ClinGen allele CA5719613.

ClinVar aggregate classification (germline): Uncertain significance (1 of 4 stars; one submission).

Allele frequency attached by ClinVar (database versions not stated): gnomAD exomes below 0.00001; ExAC 0.00001; gnomAD 0.00001; TOPMed 0.00001.
gnomAD v4.1: 6 of 1,614,078 alleles (0.00037%); highest among the groups gnomAD compares: Non-Finnish European, 0.00051%; no homozygotes.

Submission:

GeneDx
Classification: Uncertain significance. Last evaluated: 2017-07-01. Review status: criteria provided, single submitter. Criteria: GeneDx Variant Classification (06012015). Collection method: clinical testing. Allele origin: germline. Affected: yes.
Comment: The K354E variant in the WDR11 gene has not been reported previously as a pathogenic variant, nor as a benign variant, to our knowledge. The K354E variant is observed in 1/66738 (0.0014%) alleles from individuals of non-Finnish European background, in the ExAC dataset (Lek et al., 2016). The K354E variant is a non-conservative amino acid substitution, which is likely to impact secondary protein structure as these residues differ in polarity, charge, size and/or other properties. This substitution occurs within the WD 3 repeat domain, at a position that is conserved across species. In silico analysis is inconsistent in its predictions as to whether or not the variant is damaging to the protein structure/function. We interpret K354E as a variant of uncertain significance.